The following is an entry in ClinVar:

NM_001387430.1(SH2B1):c.2005GCAGCAGCC[1] (p.Ala672_Ala674del)

Gene: SH2B1 (SH2B adaptor protein 1; plus strand). Cytogenetic location: 16p11.2.
Variant type: Microsatellite.
Coding change: c.2005GCAGCAGCC[1] on transcript NM_001387430.1 (MANE Select); one copy of the 9-base unit GCAGCAGCC starting at c.2005; the reference has two copies in a row; one copy, 9 bases deleted.
Protein change: p.Ala672_Ala674del.
Molecular consequence: inframe deletion. On other transcripts: 3 prime UTR variant (5).
Genome position (GRCh38, 1-based): chr16:28,873,563-28,873,571, GCAGCAGCC deleted; deleting any 9 consecutive bases within chr16:28,873,554-28,873,571 gives the same sequence; the position shown is the placement nearest the transcript's 3' end. VCF-style (leftmost placement, unchanged base first): chr16-28873553-AGCAGCAGCC-A. GRCh37 (hg19) VCF-style: chr16-28884874-AGCAGCAGCC-A.
Other names: c.2005GCAGCAGCC[1], p.Ala672_Ala674del (NM_001145795.2, NM_001308293.2, NM_001387404.1); c.*89GCAGCAGCC[1] (NM_001145796.2, NM_001145812.2, NM_001308294.2 and 1 more transcripts); c.*106GCAGCAGCC[1] (NM_001145797.2).
Identifiers: ClinVar variation 3353795 (VCV003353795.2).

ClinVar aggregate classification (germline): Uncertain significance (1 of 4 stars; one submission).

Conditions:
SH2B1-related disorder. Also called: SH2B1-related condition.

Submission:

PreventionGenetics, part of Exact Sciences
Classification: Uncertain significance for SH2B1-related condition. Last evaluated: 2025-11-24. Review status: criteria provided, single submitter. Criteria: ACMG Guidelines, 2015. Collection method: clinical testing. Allele origin: germline.
Comment: The SH2B1 c.2014_2022del9 variant is predicted to result in an in-frame deletion (p.Ala672_Ala674del). To our knowledge, this variant has not been reported in the literature. This variant is reported in 0.014% of alleles in individuals of African descent in gnomAD. At this time, the clinical significance of this variant is uncertain due to the absence of conclusive functional and genetic evidence.